The following is an entry in ClinVar:

NM_001199862.2(KCNAB2):c.218+10G>A

Gene: KCNAB2 (potassium voltage-gated channel subfamily A regulatory beta subunit 2; plus strand). Cytogenetic location: 1p36.31.
Variant type: single nucleotide variant.
Coding change: c.218+10G>A on transcript NM_001199862.2 (MANE Select); 10 bases into the intron after coding-DNA position 218, G replaced by A.
Molecular consequence: intron variant.
Genome position (GRCh38, 1-based): chr1:6,051,764, G>A. VCF-style: chr1-6051764-G-A. GRCh37 (hg19) VCF-style: chr1-6111824-G-A.
Other names: c.119+9892G>A (NM_001199861.2, NM_003636.4, NM_001199860.2); c.77+11119G>A (NM_172130.3); c.-83+5581G>A (NM_001199863.2).
Identifiers: ClinVar variation 3039036 (VCV003039036.2), dbSNP rs535005730, ClinGen allele CA555083.
Genomic context (GRCh38, chr1:6,051,764, plus strand): 5'-CGGCCTTTCCCTGGACGGCTGCACCGCCCAGCGCACAGGCATGAAGTATCGGTAAGGGCC[G>A]GGCAGGGGGGCGGTGGGGTGGGAAGTCTGATTTCAGCCATATAAATATGTATAAAAGGGC-3'

ClinVar aggregate classification (germline): Likely benign (0 of 4 stars; one submission).

Conditions:
KCNAB2-related disorder. Also called: KCNAB2-related condition.

Allele frequency attached by ClinVar (database versions not stated): TOPMed 0.00018; gnomAD 0.00021; gnomAD exomes 0.00027; 1000 Genomes Project 30x 0.00031; 1000 Genomes Project 0.00040; ExAC 0.00085.
gnomAD v4.1: 402 of 1,522,470 alleles (0.026%); highest among the groups gnomAD compares: Middle Eastern, 0.25%; no homozygotes.

Submission:

PreventionGenetics, part of Exact Sciences
Classification: Likely benign for KCNAB2-related condition. Last evaluated: 2019-04-09. Review status: no assertion criteria provided. Collection method: clinical testing. Allele origin: germline.
Comment: This variant is classified as likely benign based on ACMG/AMP sequence variant interpretation guidelines (Richards et al. 2015 PMID: 25741868, with internal and published modifications).